The following is an entry in ClinVar:

ClinVar aggregate classification (germline): Uncertain significance (1 of 4 stars; one submission).

Submission:

Labcorp Genetics (formerly Invitae), Labcorp
Classification: Uncertain significance. Last evaluated: 2023-11-08. Review status: criteria provided, single submitter. Criteria: Invitae Variant Classification Sherloc (09022015). Collection method: clinical testing. Allele origin: germline.
Comment: This sequence change replaces threonine, which is neutral and polar, with alanine, which is neutral and non-polar, at codon 747 of the AMER1 protein (p.Thr747Ala). This variant is not present in population databases (gnomAD no frequency). This variant has not been reported in the literature in individuals affected with AMER1-related conditions. An algorithm developed to predict the effect of missense changes on protein structure and function (PolyPhen-2) suggests that this variant is likely to be tolerated. In summary, the available evidence is currently insufficient to determine the role of this variant in disease. Therefore, it has been classified as a Variant of Uncertain Significance.

NM_152424.4(AMER1):c.2239A>G (p.Thr747Ala)

Gene: AMER1 (APC membrane recruitment protein 1; minus strand). Cytogenetic location: Xq11.2.
Variant type: single nucleotide variant.
Coding change: c.2239A>G on transcript NM_152424.4 (MANE Select); coding-DNA position 2239, A replaced by G.
Protein change: p.Thr747Ala; replaces threonine 747 with alanine.
Molecular consequence: missense variant.
Genome position (GRCh38, 1-based): chrX:64,191,048, T>C on the plus strand (A>G on the coding strand, the complement: AMER1 is on the minus strand). VCF-style: chrX-64191048-T-C. GRCh37 (hg19) VCF-style: chrX-63410928-T-C.
Other names: short protein forms T747A.
Identifiers: ClinVar variation 2798558 (VCV002798558.3), dbSNP rs2147086516, ClinGen allele CA413304849.